The following is an entry in ClinVar:

ClinVar aggregate classification (germline): Uncertain significance (1 of 4 stars; one submission).

Conditions:
Huntington disease-like 2 (HDL2). Identifiers: Orphanet 98934, MedGen C1847987, MONDO:0011671, OMIM 606438.

Submission:

Institute of Human Genetics, University of Leipzig Medical Center
Classification: Uncertain significance for Huntington disease-like 2. Last evaluated: 2024-06-25. Review status: criteria provided, single submitter. Criteria: ACMG Guidelines, 2015. Collection method: clinical testing. Allele origin: unknown. Inheritance: Autosomal dominant inheritance. Affected: yes.
Comment: Criteria applied: PVS1_MOD, PM2

NM_020655.4(JPH3):c.2101dup (p.Gln701fs)

Gene: JPH3 (junctophilin 3; plus strand). Cytogenetic location: 16q24.2.
Variant type: Duplication.
Coding change: c.2101dup on transcript NM_020655.4 (MANE Select); coding-DNA position 2101, one base duplicated (C; older notation c.2101dupC).
Protein change: p.Gln701fs; shifts the reading frame from glutamine 701.
Molecular consequence: frameshift variant. On other transcripts: non-coding transcript variant (1).
Genome position (GRCh38, 1-based): chr16:87,690,461, C duplicated; the last of 4 consecutive C bases (chr16:87,690,458-87,690,461); duplicating any one gives the same sequence. VCF-style (leftmost placement, unchanged base first): chr16-87690457-G-GC. GRCh37 (hg19) VCF-style: chr16-87724063-G-GC.
Other names: short protein forms Q701fs.
Identifiers: ClinVar variation 3358991 (VCV003358991.2).